The following is an entry in ClinVar:

NM_000474.4(TWIST1):c.420G>C (p.Ser140=)

Genes: TWIST1 (twist family bHLH transcription factor 1; minus strand), LOC129998021 (ATAC-STARR-seq lymphoblastoid active region 25682; plus strand). Cytogenetic location: 7p21.1.
Variant type: single nucleotide variant.
Coding change: c.420G>C on transcript NM_000474.4 (MANE Select); coding-DNA position 420, G replaced by C.
Protein change: p.Ser140=; no amino-acid change (serine 140 retained).
Molecular consequence: synonymous variant. On other transcripts: non-coding transcript variant (1).
Genome position (GRCh38, 1-based): chr7:19,116,902, C>G on the plus strand (G>C on the coding strand, the complement: TWIST1 is on the minus strand). VCF-style: chr7-19116902-C-G. GRCh37 (hg19) VCF-style: chr7-19156525-C-G.
Identifiers: ClinVar variation 704871 (VCV000704871.13), dbSNP rs73079389, ClinGen allele CA4174486.

ClinVar aggregate classification (germline): Likely benign. Review status: criteria provided, multiple submitters, no conflicts (2 of 4 stars). 4 submissions from 4 submitters: Likely benign (3). 1 of the submissions does not count toward it. Last evaluated 2026-07-01.

Conditions:
TWIST1-related disorder.
TWIST1-related craniosynostosis (CRS1). Also called: CRANIOSYNOSTOSIS 1. Identifiers: Orphanet 63440, MedGen C4551902, MONDO:0007399, OMIM 123100. Inheritance: Heterogenous inheritance pattern.
Saethre-Chotzen syndrome (SCS). Also called: ACROCEPHALY, SKULL ASYMMETRY, AND MILD SYNDACTYLY; ACS III; CHOTZEN SYNDROME. Identifiers: Orphanet 794, MedGen C0175699, MONDO:0007042, OMIM 101400.

Allele frequency attached by ClinVar (database versions not stated): TOPMed 0.00036; gnomAD 0.00045 and 0.00046; gnomAD exomes 0.00045; ExAC 0.00052; ESP Exome Variant Server 0.00054.

Submissions (4):

CeGaT Center for Human Genetics Tuebingen
Classification: Likely benign. Last evaluated: 2026-07-01. Review status: criteria provided, single submitter. Criteria: CeGaT Center For Human Genetics Tuebingen Variant Classification Criteria Version 2. Collection method: clinical testing. Allele origin: germline. Affected: yes. Observed: 1 variant allele.
Comment: TWIST1: BP4, BP7

Blueprint Genetics
Classification: Likely benign. Last evaluated: 2024-11-21. Review status: criteria provided, single submitter. Criteria: ACMG Guidelines, 2015. Collection method: clinical testing. Allele origin: germline.

Labcorp Genetics (formerly Invitae), Labcorp
Classification: Likely benign for TWIST1-related craniosynostosis; Saethre-Chotzen syndrome. Last evaluated: 2024-02-25. Review status: criteria provided, single submitter. Criteria: Invitae Variant Classification Sherloc (09022015). Collection method: clinical testing. Allele origin: germline.

PreventionGenetics, part of Exact Sciences
Classification: Likely benign for TWIST1-related condition. Last evaluated: 2019-09-10. Review status: no assertion criteria provided. Collection method: clinical testing. Allele origin: germline. Not counted in ClinVar's aggregate classification.
Comment: This variant is classified as likely benign based on ACMG/AMP sequence variant interpretation guidelines (Richards et al. 2015 PMID: 25741868, with internal and published modifications).